The following is an entry in ClinVar:

NM_000274.4(OAT):c.796C>A (p.Gln266Lys)

Gene: OAT (ornithine aminotransferase; minus strand). Cytogenetic location: 10q26.13.
Variant type: single nucleotide variant.
Coding change: c.796C>A on transcript NM_000274.4 (MANE Select); coding-DNA position 796, C replaced by A.
Protein change: p.Gln266Lys; replaces glutamine 266 with lysine.
Molecular consequence: missense variant.
Genome position (GRCh38, 1-based): chr10:124,403,031, G>T on the plus strand (C>A on the coding strand, the complement: OAT is on the minus strand). VCF-style: chr10-124403031-G-T. GRCh37 (hg19) VCF-style: chr10-126091600-G-T.
Other names: c.382C>A, p.Gln128Lys (NM_001171814.2); c.796C>A, p.Gln266Lys (NM_001322965.2, NM_001322966.2, NM_001322967.2 and 3 more transcripts); c.475C>A, p.Gln159Lys (NM_001322971.2); c.196C>A, p.Gln66Lys (NM_001322974.2); short protein forms Q159K, Q66K, Q128K, Q266K.
Identifiers: ClinVar variation 1357286 (VCV001357286.6), dbSNP rs1951458291, ClinGen allele CA378635588.

ClinVar aggregate classification (germline): Uncertain significance (1 of 4 stars; one submission).

Conditions:
Ornithine aminotransferase deficiency (GACR). Also called: Ornithine ketoacid aminotransferase deficiency; Gyrate atrophy; Gyrate atrophy of choroid and retina; Girate atrophy of the retina; OAT DEFICIENCY; OKT DEFICIENCY. Identifiers: Orphanet 414, MedGen C0018425, MONDO:0009796, OMIM 258870.

Submission:

Labcorp Genetics (formerly Invitae), Labcorp
Classification: Uncertain significance for Ornithine aminotransferase deficiency. Last evaluated: 2021-09-14. Review status: criteria provided, single submitter. Criteria: Invitae Variant Classification Sherloc (09022015). Collection method: clinical testing. Allele origin: germline.
Comment: In summary, the available evidence is currently insufficient to determine the role of this variant in disease. Therefore, it has been classified as a Variant of Uncertain Significance. Algorithms developed to predict the effect of missense changes on protein structure and function are either unavailable or do not agree on the potential impact of this missense change (SIFT: "Deleterious"; PolyPhen-2: "Probably Damaging"; Align-GVGD: "Class C0"). This variant has not been reported in the literature in individuals affected with OAT-related conditions. This variant is not present in population databases (ExAC no frequency). This sequence change replaces glutamine with lysine at codon 266 of the OAT protein (p.Gln266Lys). The glutamine residue is highly conserved and there is a small physicochemical difference between glutamine and lysine.